The following is an entry in ClinVar:

ClinVar aggregate classification (germline): Uncertain significance. Review status: criteria provided, multiple submitters, no conflicts (2 of 4 stars). 3 submissions from 3 submitters: Uncertain significance (3). Last evaluated 2025-09-08.

Conditions:
Hereditary cancer-predisposing syndrome. Also called: Neoplastic Syndromes, Hereditary; Tumor predisposition; Hereditary Cancer Syndrome; Hereditary neoplastic syndrome. Identifiers: Orphanet 140162, MedGen C0027672, MeSH D009386, MONDO:0015356.
Neuroblastoma, susceptibility to, 3. Also called: ALK-Related Neuroblastic Tumor Susceptibility. Identifiers: Orphanet 635, MedGen C2751681, MONDO:0013083, OMIM 613014.

Allele frequency attached by ClinVar (database versions not stated): gnomAD exomes below 0.00001; ExAC 0.00001; gnomAD 0.00001; TOPMed 0.00002.
gnomAD v4.1: 6 of 1,613,416 alleles (0.00037%); highest among the groups gnomAD compares: African/African-American, 0.0013%; no homozygotes.

Submissions (3):

Labcorp Genetics (formerly Invitae), Labcorp
Classification: Uncertain significance for Neuroblastoma, susceptibility to, 3. Last evaluated: 2025-09-08. Review status: criteria provided, single submitter. Criteria: Invitae Variant Classification Sherloc (09022015). Collection method: clinical testing. Allele origin: germline.
Comment: This sequence change replaces arginine, which is basic and polar, with cysteine, which is neutral and slightly polar, at codon 1060 of the ALK protein (p.Arg1060Cys). This variant is present in population databases (rs774836034, gnomAD 0.0009%). This variant has not been reported in the literature in individuals affected with ALK-related conditions. ClinVar contains an entry for this variant (Variation ID: 565659). An algorithm developed to predict the effect of missense changes on protein structure and function (PolyPhen-2) suggests that this variant is likely to be disruptive. In summary, the available evidence is currently insufficient to determine the role of this variant in disease. Therefore, it has been classified as a Variant of Uncertain Significance.

Ambry Genetics
Classification: Uncertain significance for Hereditary cancer-predisposing syndrome. Last evaluated: 2025-01-10. Review status: criteria provided, single submitter. Criteria: Ambry Variant Classification Scheme 2023. Collection method: clinical testing. Allele origin: germline.
Comment: The p.R1060C variant (also known as c.3178C>T), located in coding exon 20 of the ALK gene, results from a C to T substitution at nucleotide position 3178. The arginine at codon 1060 is replaced by cysteine, an amino acid with highly dissimilar properties. This amino acid position is conserved. In addition, the in silico prediction for this alteration is inconclusive. Based on the available evidence, the clinical significance of this variant remains unclear.

Fulgent Genetics
Classification: Uncertain significance for Neuroblastoma, susceptibility to, 3. Last evaluated: 2022-02-21. Review status: criteria provided, single submitter. Criteria: ACMG Guidelines, 2015. Collection method: clinical testing. Allele origin: unknown.

NM_004304.5(ALK):c.3178C>T (p.Arg1060Cys)

Gene: ALK (ALK receptor tyrosine kinase; minus strand). Cytogenetic location: 2p23.2.
Variant type: single nucleotide variant.
Coding change: c.3178C>T on transcript NM_004304.5 (MANE Select); coding-DNA position 3178, C replaced by T.
Protein change: p.Arg1060Cys; replaces arginine 1060 with cysteine.
Molecular consequence: missense variant. On other transcripts: 5 prime UTR variant (1).
Genome position (GRCh38, 1-based): chr2:29,223,523, G>A on the plus strand (C>T on the coding strand, the complement: ALK is on the minus strand). VCF-style: chr2-29223523-G-A. GRCh37 (hg19) VCF-style: chr2-29446389-G-A.
Other names: c.-27C>T (NM_001353765.2); short protein forms R1060C.
Identifiers: ClinVar variation 565659 (VCV000565659.12), dbSNP rs774836034, ClinGen allele CA1594041.
Genomic context (GRCh38, chr2:29,223,523, plus strand): 5'-GCTTGTACTCAGGGCTCTGCAGCTCCATCTGCATGGCTTGCAGCTCCTGGTGCTTCCGGC[G>A]GTACACTGCAGGTGGGTGGTCAGCTGCAACATGGCCTGGCAGCCTGGCCCTTGAAGCACT-3'
Protein context (NP_004295.2, residues 1050-1070): LAFSGIMIVY[Arg1060Cys]RKHQELQAMQ